The following is an entry in ClinVar:

ClinVar aggregate classification (germline): Uncertain significance (1 of 4 stars; one submission).

Conditions:
Hereditary cancer-predisposing syndrome. Also called: Tumor predisposition; Hereditary neoplastic syndrome; Hereditary Cancer Syndrome; Neoplastic Syndromes, Hereditary. Identifiers: Orphanet 140162, MedGen C0027672, MeSH D009386, MONDO:0015356.

Submission:

Ambry Genetics
Classification: Uncertain significance for Hereditary cancer-predisposing syndrome. Last evaluated: 2025-06-12. Review status: criteria provided, single submitter. Criteria: Ambry Variant Classification Scheme 2023. Collection method: clinical testing. Allele origin: germline.
Comment: The p.L906V variant (also known as c.2716T>G), located in coding exon 17 of the ATM gene, results from a T to G substitution at nucleotide position 2716. The leucine at codon 906 is replaced by valine, an amino acid with highly similar properties. This amino acid position is conserved. In addition, this alteration is predicted to be tolerated by in silico analysis. Based on the available evidence, the clinical significance of this variant remains unclear.

NM_000051.4(ATM):c.2716T>G (p.Leu906Val)

Gene: ATM (ATM serine/threonine kinase; plus strand). Cytogenetic location: 11q22.3.
Variant type: single nucleotide variant.
Coding change: c.2716T>G on transcript NM_000051.4 (MANE Select); coding-DNA position 2716, T replaced by G.
Protein change: p.Leu906Val; replaces leucine 906 with valine.
Molecular consequence: missense variant.
Genome position (GRCh38, 1-based): chr11:108,268,487, T>G. VCF-style: chr11-108268487-T-G. GRCh37 (hg19) VCF-style: chr11-108139214-T-G.
Other names: c.2716T>G, p.Leu906Val (NM_001351834.2); short protein forms L906V.
Identifiers: ClinVar variation 3967667 (VCV003967667.1).